The following is an entry in ClinVar:

NM_004517.4(ILK):c.518C>T (p.Thr173Ile)

Genes: ILK (integrin linked kinase; plus strand), TAF10 (TATA-box binding protein associated factor 10; minus strand). Cytogenetic location: 11p15.4.
Variant type: single nucleotide variant.
Coding change: c.518C>T on transcript NM_004517.4 (MANE Select); coding-DNA position 518, C replaced by T.
Protein change: p.Thr173Ile; replaces threonine 173 with isoleucine.
Molecular consequence: missense variant. On other transcripts: 3 prime UTR variant (1).
Genome position (GRCh38, 1-based): chr11:6,608,953, C>T. VCF-style: chr11-6608953-C-T. GRCh37 (hg19) VCF-style: chr11-6630184-C-T.
Other names: c.518C>T, p.Thr173Ile (NM_001014794.3, NM_001014795.3); c.421C>T, p.Pro141Ser (NM_001278441.2); c.116C>T, p.Thr39Ile (NM_001278442.2); c.*1969G>A (NM_006284.4); short protein forms P141S, T173I, T39I.
Identifiers: ClinVar variation 2154724 (VCV002154724.6), dbSNP rs372608079, ClinGen allele CA5858076.

ClinVar aggregate classification (germline): Uncertain significance. Review status: criteria provided, multiple submitters, no conflicts (2 of 4 stars). 2 submissions from 2 submitters: Uncertain significance (2). Last evaluated 2025-06-03.

Conditions:
Primary familial hypertrophic cardiomyopathy (HCM). Identifiers: Orphanet 99739, MedGen C0949658, MeSH D024741, MONDO:0024573. Inheritance: Various modes of inheritance.

Allele frequency attached by ClinVar (database versions not stated): ESP Exome Variant Server 0.00008.
gnomAD v4.1: 10 of 1,614,070 alleles (0.00062%); highest among the groups gnomAD compares: Non-Finnish European, 0.00085%; no homozygotes.

Submissions (2):

Ambry Genetics
Classification: Uncertain significance. Last evaluated: 2025-06-03. Review status: criteria provided, single submitter. Criteria: Ambry Variant Classification Scheme 2023. Collection method: clinical testing. Allele origin: germline.

Labcorp Genetics (formerly Invitae), Labcorp
Classification: Uncertain significance for Primary familial hypertrophic cardiomyopathy. Last evaluated: 2025-02-12. Review status: criteria provided, single submitter. Criteria: Invitae Variant Classification Sherloc (09022015). Collection method: clinical testing. Allele origin: germline.
Comment: This sequence change replaces threonine, which is neutral and polar, with isoleucine, which is neutral and non-polar, at codon 173 of the ILK protein (p.Thr173Ile). This variant is present in population databases (rs372608079, gnomAD 0.006%). This variant has not been reported in the literature in individuals affected with ILK-related conditions. ClinVar contains an entry for this variant (Variation ID: 2154724). An algorithm developed to predict the effect of missense changes on protein structure and function (PolyPhen-2) suggests that this variant is likely to be tolerated. In summary, the available evidence is currently insufficient to determine the role of this variant in disease. Therefore, it has been classified as a Variant of Uncertain Significance.